The following is an entry in ClinVar:

NM_000722.4(CACNA2D1):c.2503-5G>T

Gene: CACNA2D1 (calcium voltage-gated channel auxiliary subunit alpha2delta 1; minus strand). Cytogenetic location: 7q21.11.
Variant type: single nucleotide variant.
Coding change: c.2503-5G>T on transcript NM_000722.4 (MANE Select); 5 bases into the intron before coding-DNA position 2503, G replaced by T.
Molecular consequence: intron variant.
Genome position (GRCh38, 1-based): chr7:81,965,670, C>A on the plus strand (G>T on the coding strand, the complement: CACNA2D1 is on the minus strand). VCF-style: chr7-81965670-C-A. GRCh37 (hg19) VCF-style: chr7-81594986-C-A.
Other names: c.2539-5G>T (NM_001366867.1).
Identifiers: ClinVar variation 1641193 (VCV001641193.11), dbSNP rs2130336971, ClinGen allele CA2573142337.

ClinVar aggregate classification (germline): Conflicting classifications of pathogenicity. Review status: criteria provided, conflicting classifications (1 of 4 stars). 2 submissions from 2 submitters: Uncertain significance (1); Likely benign (1). Last evaluated 2026-08-19.

Conditions:
Cardiovascular phenotype. Identifiers: MedGen CN230736.
Brugada syndrome. Also called: Sudden unexplained nocturnal death syndrome; Sudden unexpected nocturnal death syndrome; Sudden Unexplained Death Syndrome; Sudden Unexplained Nocturnal Death Syndrome (SUNDS). Identifiers: Orphanet 130, MedGen C1142166, MONDO:0015263.

Submissions (2):

Ambry Genetics
Classification: Uncertain significance for Cardiovascular phenotype. Last evaluated: 2026-08-19. Review status: criteria provided, single submitter. Criteria: Ambry Variant Classification Scheme 2023. Collection method: clinical testing. Allele origin: germline.
Comment: The c.2503-5G>T intronic variant results from a G to T substitution 5 nucleotides upstream from coding exon 32 in the CACNA2D1 gene. This nucleotide position is poorly conserved in available vertebrate species. In silico splice site analysis predicts that this alteration will not have any significant effect on splicing. The evidence for this gene-disease relationship is limited; therefore, the clinical significance of this variant is unclear.

Labcorp Genetics (formerly Invitae), Labcorp
Classification: Likely benign for Brugada syndrome. Last evaluated: 2021-05-08. Review status: criteria provided, single submitter. Criteria: Invitae Variant Classification Sherloc (09022015). Collection method: clinical testing. Allele origin: germline.